The following is an entry in ClinVar:

ClinVar aggregate classification (germline): Uncertain significance (1 of 4 stars; one submission).

Submission:

Labcorp Genetics (formerly Invitae), Labcorp
Classification: Uncertain significance. Last evaluated: 2025-01-01. Review status: criteria provided, single submitter. Criteria: Invitae Variant Classification Sherloc (09022015). Collection method: clinical testing. Allele origin: germline.
Comment: This sequence change creates a premature translational stop signal (p.Gln233*) in the OPN1SW gene. It is expected to result in an absent or disrupted protein product. However, the current clinical and genetic evidence is not sufficient to establish whether loss-of-function variants in OPN1SW cause disease. This variant is not present in population databases (gnomAD no frequency). This variant has not been reported in the literature in individuals affected with OPN1SW-related conditions. ClinVar contains an entry for this variant (Variation ID: 2972823). In summary, the available evidence is currently insufficient to determine the role of this variant in disease. Therefore, it has been classified as a Variant of Uncertain Significance.

NM_001385125.1(OPN1SW):c.688C>T (p.Gln230Ter)

Gene: OPN1SW (opsin 1, short wave sensitive; minus strand). Cytogenetic location: 7q32.1.
Variant type: single nucleotide variant.
Coding change: c.688C>T on transcript NM_001385125.1 (MANE Select); coding-DNA position 688, C replaced by T.
Protein change: p.Gln230Ter; replaces glutamine 230 with a stop codon.
Molecular consequence: nonsense.
Genome position (GRCh38, 1-based): chr7:128,773,879, G>A on the plus strand (C>T on the coding strand, the complement: OPN1SW is on the minus strand). VCF-style: chr7-128773879-G-A. GRCh37 (hg19) VCF-style: chr7-128413933-G-A.
Other names: short protein forms Q230*.
Identifiers: ClinVar variation 2972823 (VCV002972823.3), dbSNP rs1801693872, ClinGen allele CA369218177.